The following is an entry in ClinVar:

ClinVar aggregate classification (germline): Conflicting classifications of pathogenicity. Review status: criteria provided, conflicting classifications (1 of 4 stars). 3 submissions from 3 submitters: Likely pathogenic (1); Uncertain significance (1). 1 of the submissions does not count toward it. Last evaluated 2022-12-02.

Conditions:
Polycystic kidney disease 2 (PKD2). Also called: POLYCYSTIC KIDNEY DISEASE, ADULT, TYPE II; POLYCYSTIC KIDNEY DISEASE 2 WITH OR WITHOUT POLYCYSTIC LIVER DISEASE; Polycystic Kidney Disease 2, Autosomal Dominant. Identifiers: MedGen C2751306, MONDO:0013131, OMIM 613095.

Submissions (3):

GeneDx
Classification: Uncertain significance. Last evaluated: 2022-12-02. Review status: criteria provided, single submitter. Criteria: GeneDx Variant Classification Process June 2021. Collection method: clinical testing. Allele origin: germline. Affected: yes.
Comment: Not observed at significant frequency in large population cohorts (gnomAD); In silico analysis supports that this missense variant has a deleterious effect on protein structure/function; Has not been previously published as pathogenic or benign to our knowledge

Institute of Human Genetics, University of Goettingen
Classification: Likely pathogenic for Polycystic kidney disease 2. Last evaluated: 2021-06-21. Review status: criteria provided, single submitter. Criteria: ACMG Guidelines, 2015. Collection method: clinical testing. Allele origin: maternal. Inheritance: Autosomal dominant inheritance. Affected: yes. Observed: 1 variant allele, 1 heterozygote.
Comment: The variant c.773T>C (p.(Leu258Pro)) in exon 3 of the PKD2-gene is not found in the gnomAD database and it affects a highly conserved nucleotide a moderately conserved amino acid within a protein domain and there is a moderate physicochemical difference between Leu and Pro. This variant has a pathogenic computational verdict based on 11 pathogenic predictions from BayesDel_addAF, DANN, DEOGEN2, EIGEN, FATHMM-MKL, LIST-S2, M-CAP, MutationAssessor, MutationTaster, PolyPhen-2 and SIFT vs 2 benign predictions from MVP and PrimateAI. ACMG criteria used for classification: PM2, PP1, PP2, PP3, PP4.

Institute of Human Genetics, Cologne University
Classification: Uncertain significance for Polycystic kidney disease 2. Review status: no assertion criteria provided. Collection method: clinical testing. Allele origin: unknown. Inheritance: Autosomal dominant inheritance. Affected: yes. Not counted in ClinVar's aggregate classification.

NM_000297.4(PKD2):c.773T>C (p.Leu258Pro)

Gene: PKD2 (polycystin 2, transient receptor potential cation channel; plus strand). Cytogenetic location: 4q22.1.
Variant type: single nucleotide variant.
Coding change: c.773T>C on transcript NM_000297.4 (MANE Select); coding-DNA position 773, T replaced by C.
Protein change: p.Leu258Pro; replaces leucine 258 with proline.
Molecular consequence: missense variant. On other transcripts: non-coding transcript variant (1).
Genome position (GRCh38, 1-based): chr4:88,036,283, T>C. VCF-style: chr4-88036283-T-C. GRCh37 (hg19) VCF-style: chr4-88957435-T-C.
Other names: c.773T>C (NM_000297.3); short protein forms L258P.
Identifiers: ClinVar variation 1172839 (VCV001172839.5), dbSNP rs2110104859, ClinGen allele CA357631370.